The following is an entry in ClinVar:

NM_005458.8(GABBR2):c.2542+1G>A

Gene: GABBR2 (gamma-aminobutyric acid type B receptor subunit 2; minus strand). Cytogenetic location: 9q22.33.
Variant type: single nucleotide variant.
Coding change: c.2542+1G>A on transcript NM_005458.8 (MANE Select); the canonical splice donor site of the intron after coding-DNA position 2542, G replaced by A.
Molecular consequence: splice donor variant.
Genome position (GRCh38, 1-based): chr9:98,299,223, C>T on the plus strand (G>A on the coding strand, the complement: GABBR2 is on the minus strand). VCF-style: chr9-98299223-C-T. GRCh37 (hg19) VCF-style: chr9-101061505-C-T.
Identifiers: ClinVar variation 4795723 (VCV004795723.2).

ClinVar aggregate classification (germline): Uncertain significance (1 of 4 stars; one submission).

Submission:

GeneDx
Classification: Uncertain significance. Last evaluated: 2026-10-03. Review status: criteria provided, single submitter. Criteria: GeneDx Variant Classification Process June 2021. Collection method: clinical testing. Allele origin: germline.
Comment: Not observed at significant frequency in large population cohorts (gnomAD); Has not been previously published as pathogenic or benign to our knowledge; Canonical splice site variant in a gene or region of a gene for which loss of function is not a well-established mechanism of disease.